The following is an entry in ClinVar:

NM_024496.4(IRF2BPL):c.355C>T (p.Gln119Ter)

Gene: IRF2BPL (interferon regulatory factor 2 binding protein like; minus strand). Cytogenetic location: 14q24.3.
Variant type: single nucleotide variant.
Coding change: c.355C>T on transcript NM_024496.4 (MANE Select); coding-DNA position 355, C replaced by T.
Protein change: p.Gln119Ter; replaces glutamine 119 with a stop codon.
Molecular consequence: nonsense.
Genome position (GRCh38, 1-based): chr14:77,027,438, G>A on the plus strand (C>T on the coding strand, the complement: IRF2BPL is on the minus strand). VCF-style: chr14-77027438-G-A. GRCh37 (hg19) VCF-style: chr14-77493781-G-A.
Other names: c.355C>T (NM_024496.3); short protein forms Q119*.
Identifiers: ClinVar variation 807150 (VCV000807150.43), dbSNP rs1223563812, ClinGen allele CA390499703.
Genomic context (GRCh38, chr14:77,027,438, plus strand): 5'-CCGCAGGCTTGCTGGAACCATCAACGTGGTTGAGCTGTTGTTGCTGCTGCTGCTGCTGCT[G>A]CTGCTGCTGCTGTTGCTGCTGCTGCTGCTGCTGTTGCTGTTGCTGTTGCGCGGCGGCGGC-3'

ClinVar aggregate classification (germline): Likely pathogenic. Review status: criteria provided, multiple submitters, no conflicts (2 of 4 stars). 2 submissions from 2 submitters: Likely pathogenic (2). Last evaluated 2025-07-11.

Submissions (2):

GeneDx
Classification: Likely pathogenic. Last evaluated: 2025-07-11. Review status: criteria provided, single submitter. Criteria: GeneDx Variant Classification Process June 2021. Collection method: clinical testing. Allele origin: germline. Affected: yes.
Comment: Not observed at significant frequency in large population cohorts (gnomAD); Nonsense variant in the C-terminus predicted to result in protein truncation, as the last 678 amino acids are lost, and other loss-of-function variants have been reported downstream in the Human Gene Mutation Database (HGMD); This variant is associated with the following publications: (PMID: 31621620, 37114479)

CeGaT Center for Human Genetics Tuebingen
Classification: Likely pathogenic. Last evaluated: 2019-03-01. Review status: criteria provided, single submitter. Criteria: CeGaT Center For Human Genetics Tuebingen Variant Classification Criteria Version 2. Collection method: clinical testing. Allele origin: germline. Affected: yes. Observed: 3 variant alleles.